The following is an entry in ClinVar:

ClinVar aggregate classification (germline): Uncertain significance. Review status: criteria provided, multiple submitters, no conflicts (2 of 4 stars). 3 submissions from 3 submitters: Uncertain significance (3). Last evaluated 2022-12-01.

Conditions:
Xanthinuria type II. Also called: Xanthine dehydrogenase and aldehyde oxidase combined deficiency of; XDH and AOX dual deficiency. Identifiers: Orphanet 3467, Orphanet 93602, MedGen C1863688, MONDO:0011346, OMIM 603592.
Inborn genetic diseases. Identifiers: MedGen C0950123, MeSH D030342.
Hereditary xanthinuria type 1 (XAN1). Identifiers: Orphanet 3467, Orphanet 93601, MedGen C0268118, MONDO:0010209, OMIM 278300.

Allele frequency attached by ClinVar (database versions not stated): ExAC 0.00002; TOPMed 0.00009; gnomAD 0.00012 and 0.00013; 1000 Genomes Project 0.00020; 1000 Genomes Project 30x 0.00031.
gnomAD v4.1: 31 of 1,613,958 alleles (0.0019%); highest among the groups gnomAD compares: African/African-American, 0.036%; no homozygotes.

Submissions (3):

Ambry Genetics
Classification: Uncertain significance for Inborn genetic diseases. Last evaluated: 2022-12-01. Review status: criteria provided, single submitter. Criteria: Ambry Variant Classification Scheme 2023. Collection method: clinical testing. Allele origin: germline.

Fulgent Genetics
Classification: Uncertain significance for Hereditary xanthinuria type 1. Last evaluated: 2022-04-08. Review status: criteria provided, single submitter. Criteria: ACMG Guidelines, 2015. Collection method: clinical testing. Allele origin: unknown.

Labcorp Genetics (formerly Invitae), Labcorp
Classification: Uncertain significance for Xanthinuria type II. Last evaluated: 2019-08-19. Review status: criteria provided, single submitter. Criteria: Invitae Variant Classification Sherloc (09022015). Collection method: clinical testing. Allele origin: germline.
Comment: Algorithms developed to predict the effect of missense changes on protein structure and function are either unavailable or do not agree on the potential impact of this missense change (SIFT: "Deleterious"; PolyPhen-2: "Possibly Damaging"; Align-GVGD: "Class C0"). In summary, the available evidence is currently insufficient to determine the role of this variant in disease. Therefore, it has been classified as a Variant of Uncertain Significance. This variant has not been reported in the literature in individuals with XDH-related conditions. This variant is present in population databases (rs527413763, ExAC 0.02%). This sequence change replaces aspartic acid with valine at codon 701 of the XDH protein (p.Asp701Val). The aspartic acid residue is moderately conserved and there is a large physicochemical difference between aspartic acid and valine.

NM_000379.4(XDH):c.2102A>T (p.Asp701Val)

Gene: XDH (xanthine dehydrogenase; minus strand). Cytogenetic location: 2p23.1.
Variant type: single nucleotide variant.
Coding change: c.2102A>T on transcript NM_000379.4 (MANE Select); coding-DNA position 2102, A replaced by T.
Protein change: p.Asp701Val; replaces aspartic acid 701 with valine.
Molecular consequence: missense variant.
Genome position (GRCh38, 1-based): chr2:31,368,056, T>A on the plus strand (A>T on the coding strand, the complement: XDH is on the minus strand). VCF-style: chr2-31368056-T-A. GRCh37 (hg19) VCF-style: chr2-31590922-T-A.
Other names: short protein forms D701V.
Identifiers: ClinVar variation 951378 (VCV000951378.10), dbSNP rs527413763, ClinGen allele CA1598940.